The following is an entry in ClinVar:

NM_024675.4(PALB2):c.1453del (p.Thr485fs)

Gene: PALB2 (partner and localizer of BRCA2; minus strand). Cytogenetic location: 16p12.2.
Variant type: Deletion.
Coding change: c.1453del on transcript NM_024675.4 (MANE Select); coding-DNA position 1453, one base deleted (A; older notation c.1453delA).
Protein change: p.Thr485fs; shifts the reading frame from threonine 485.
Molecular consequence: frameshift variant. On other transcripts: intron variant (3).
Genome position (GRCh38, 1-based): chr16:23,635,093, T deleted on the plus strand (A on the coding strand, the reverse complement: PALB2 is on the minus strand); the first of 2 consecutive T bases (chr16:23,635,093-23,635,094); deleting either gives the same sequence. VCF-style (leftmost placement, unchanged base first): chr16-23635092-GT-G. GRCh37 (hg19) VCF-style: chr16-23646413-GT-G.
Other names: c.1393del, p.Thr465fs (NM_001407296.1); c.1453del, p.Thr485fs (NM_001407297.1, NM_001407298.1, NM_001407299.1 and 3 more transcripts); c.568del, p.Thr190fs (NM_001407304.1, NM_001407305.1, NM_001407306.1 and 5 more transcripts); c.49-5818del (NM_001407314.1); c.-104-4624del (NM_001407313.1, NM_001407312.1); short protein forms T190fs, T465fs, T485fs.
Identifiers: ClinVar variation 2674132 (VCV002674132.1), dbSNP rs2506477042, ClinGen allele CA2695197471.

ClinVar aggregate classification (germline): Pathogenic (1 of 4 stars; one submission).

Conditions:
Familial cancer of breast. Also called: Hereditary breast cancer; BREAST CANCER, FAMILIAL; hereditary breast carcinoma. Identifiers: Orphanet 227535, MedGen C0346153, MONDO:0016419, OMIM 114480. Disease mechanism: loss of function.

Submission:

Myriad Genetics, Inc.
Classification: Pathogenic for Familial cancer of breast. Last evaluated: 2023-09-08. Review status: criteria provided, single submitter. Criteria: Myriad Autosomal Dominant, Autosomal Recessive and X-Linked Classification Criteria (2023). Collection method: clinical testing. Allele origin: unknown.
Comment: This variant is considered pathogenic. This variant creates a frameshift predicted to result in premature protein truncation.